The following is an entry in ClinVar:

NM_033004.4(NLRP1):c.3339G>A (p.Thr1113=)

Gene: NLRP1 (NLR family pyrin domain containing 1; minus strand). Cytogenetic location: 17p13.2.
Variant type: single nucleotide variant.
Coding change: c.3339G>A on transcript NM_033004.4 (MANE Select); coding-DNA position 3339, G replaced by A.
Protein change: p.Thr1113=; no amino-acid change (threonine 1113 retained).
Molecular consequence: synonymous variant.
Genome position (GRCh38, 1-based): chr17:5,530,662, C>T on the plus strand (G>A on the coding strand, the complement: NLRP1 is on the minus strand). VCF-style: chr17-5530662-C-T. GRCh37 (hg19) VCF-style: chr17-5433982-C-T.
Other names: c.3351G>A, p.Thr1117= (NM_001033053.3); c.3339G>A, p.Thr1113= (NM_014922.5); c.3249G>A, p.Thr1083= (NM_033006.4, NM_033007.4).
Identifiers: ClinVar variation 1520115 (VCV001520115.16), dbSNP rs780467764, ClinGen allele CA497576926.

ClinVar aggregate classification (germline): Likely benign. Review status: criteria provided, multiple submitters, no conflicts (2 of 4 stars). 2 submissions from 2 submitters: Likely benign (2). Last evaluated 2026-01-26.

Allele frequency attached by ClinVar (database versions not stated): TOPMed below 0.00001.
gnomAD v4.1: 9 of 1,614,196 alleles (0.00056%); highest among the groups gnomAD compares: African/African-American, 0.0013%; no homozygotes.

Submissions (2):

Labcorp Genetics (formerly Invitae), Labcorp
Classification: Likely benign. Last evaluated: 2026-01-26. Review status: criteria provided, single submitter. Criteria: Invitae Variant Classification Sherloc (09022015). Collection method: clinical testing. Allele origin: germline.

CeGaT Center for Human Genetics Tuebingen
Classification: Likely benign. Last evaluated: 2025-06-01. Review status: criteria provided, single submitter. Criteria: CeGaT Center For Human Genetics Tuebingen Variant Classification Criteria Version 2. Collection method: clinical testing. Allele origin: germline. Affected: yes. Observed: 1 variant allele.
Comment: NLRP1: BP4, BP7